The following is an entry in ClinVar:

ClinVar aggregate classification (germline): Conflicting classifications of pathogenicity. Review status: criteria provided, conflicting classifications (1 of 4 stars). 8 submissions from 8 submitters: Uncertain significance (1); Benign (3); Likely benign (3). 1 of the submissions does not count toward it. Last evaluated 2025-11-01.

Conditions:
Cerebral arteriopathy, autosomal dominant, with subcortical infarcts and leukoencephalopathy, type 1 (CADASIL1). Also called: DEMENTIA, HEREDITARY MULTIINFARCT TYPE; CADASIL 1; CASIL; Cerebral arteriopathy with subcortical infarcts and leukoencephalopathy 1. Identifiers: Orphanet 136, MedGen C4551768, MONDO:0000914, OMIM 125310.
NOTCH3-related disorder. Also called: NOTCH3-related disorders; NOTCH3-related condition.

Allele frequency attached by ClinVar (database versions not stated): TOPMed 0.00024; ExAC 0.00030; gnomAD exomes 0.00032 and 0.00020; ESP Exome Variant Server 0.00038; gnomAD 0.00022 and 0.00024.
gnomAD v4.1: 339 of 1,612,982 alleles (0.021%); highest among the groups gnomAD compares: Non-Finnish European, 0.011%; no homozygotes.

Submissions (8):

CeGaT Center for Human Genetics Tuebingen
Classification: Likely benign. Last evaluated: 2025-11-01. Review status: criteria provided, single submitter. Criteria: CeGaT Center For Human Genetics Tuebingen Variant Classification Criteria Version 2. Collection method: clinical testing. Allele origin: germline. Affected: yes. Observed: 1 variant allele.
Comment: NOTCH3: BS1

Labcorp Genetics (formerly Invitae), Labcorp
Classification: Benign. Last evaluated: 2025-10-27. Review status: criteria provided, single submitter. Criteria: Invitae Variant Classification Sherloc (09022015). Collection method: clinical testing. Allele origin: germline.

Women's Health and Genetics/Laboratory Corporation of America, LabCorp
Classification: Likely benign. Last evaluated: 2025-10-07. Review status: criteria provided, single submitter. Criteria: LabCorp Variant Classification Summary - May 2015. Collection method: clinical testing. Allele origin: germline.
Comment: Variant summary: NOTCH3 c.850G>A (p.Ala284Thr) results in a non-conservative amino acid change in the encoded protein sequence. Algorithms developed to predict the effect of missense changes on protein structure and function all suggest that this variant is likely to be disruptive. The variant allele was found at a frequency of 0.00032 in 248310 control chromosomes. The observed variant frequency exceeds the estimated maximal expected allele frequency for disease-causing variants in NOTCH3. To our knowledge, no occurrence of c.850G>A in individuals affected with NOTCH3-related conditions and no experimental evidence demonstrating its impact on protein function have been reported. The following publications have been ascertained in the context of this evaluation (PMID: 35000612, 30859180, 25907971, 30029640, 31996268, 32321774, 37598468, 29544907, 33889936, 33665345, 30924900). ClinVar contains an entry for this variant (Variation ID: 714766). Based on the evidence outlined above, the variant was classified as likely benign.

Blueprint Genetics
Classification: Likely benign. Last evaluated: 2024-10-14. Review status: criteria provided, single submitter. Criteria: ACMG Guidelines, 2015. Collection method: clinical testing. Allele origin: germline.

GeneDx
Classification: Uncertain significance. Last evaluated: 2024-05-10. Review status: criteria provided, single submitter. Criteria: GeneDx Variant Classification Process June 2021. Collection method: clinical testing. Allele origin: germline. Affected: yes.
Comment: In silico analysis supports that this missense variant has a deleterious effect on protein structure/function; Previously reported in individuals with Alzheimer disease; however, these individuals did not had features of CADASIL (PMID: 30924900); This variant is associated with the following publications: (PMID: 26889213, 30924900)

Illumina Laboratory Services, Illumina
Classification: Benign for Cerebral arteriopathy, autosomal dominant, with subcortical infarcts and leukoencephalopathy, type 1. Last evaluated: 2017-04-27. Review status: criteria provided, single submitter. Criteria: ICSL Variant Classification Criteria 13 December 2019. Collection method: clinical testing. Allele origin: germline.
Comment: This variant was observed as part of a predisposition screen in an ostensibly healthy population. A literature search was performed for the gene, cDNA change, and amino acid change (where applicable). Publications were found based on this search. The evidence from the literature, in combination with allele frequency data from public databases where available, was sufficient to rule this variant out of causing disease. Therefore, this variant is classified as benign.

Breakthrough Genomics
Classification: Benign. Review status: criteria provided, single submitter. Criteria: ACMG Guidelines, 2015. Collection method: not provided. Allele origin: germline. Inheritance: Autosomal dominant inheritance. Affected: yes.

PreventionGenetics, part of Exact Sciences
Classification: Benign for NOTCH3-related condition. Last evaluated: 2020-01-13. Review status: no assertion criteria provided. Collection method: clinical testing. Allele origin: germline. Not counted in ClinVar's aggregate classification.
Comment: This variant is classified as benign based on ACMG/AMP sequence variant interpretation guidelines (Richards et al. 2015 PMID: 25741868, with internal and published modifications).

Literature cited by the submitters: PubMed 30924900 (cited by Women's Health and Genetics/Laboratory Corporation of America, LabCorp); PubMed 31996268 (cited by Women's Health and Genetics/Laboratory Corporation of America, LabCorp); PubMed 30859180 (cited by Women's Health and Genetics/Laboratory Corporation of America, LabCorp); PubMed 32321774 (cited by Women's Health and Genetics/Laboratory Corporation of America, LabCorp); PubMed 35000612 (cited by Women's Health and Genetics/Laboratory Corporation of America, LabCorp); PubMed 33889936 (cited by Women's Health and Genetics/Laboratory Corporation of America, LabCorp); PubMed 29544907 (cited by Women's Health and Genetics/Laboratory Corporation of America, LabCorp); PubMed 37598468 (cited by Women's Health and Genetics/Laboratory Corporation of America, LabCorp); PubMed 30029640 (cited by Women's Health and Genetics/Laboratory Corporation of America, LabCorp); PubMed 25907971 (cited by Women's Health and Genetics/Laboratory Corporation of America, LabCorp); PubMed 33665345 (cited by Women's Health and Genetics/Laboratory Corporation of America, LabCorp); PubMed 26889213 (cited by Illumina Laboratory Services, Illumina).

NM_000435.3(NOTCH3):c.850G>A (p.Ala284Thr)

Gene: NOTCH3 (notch receptor 3; minus strand). Cytogenetic location: 19p13.12.
Variant type: single nucleotide variant.
Coding change: c.850G>A on transcript NM_000435.3 (MANE Select); coding-DNA position 850, G replaced by A.
Protein change: p.Ala284Thr; replaces alanine 284 with threonine.
Molecular consequence: missense variant.
Genome position (GRCh38, 1-based): chr19:15,191,610, C>T on the plus strand (G>A on the coding strand, the complement: NOTCH3 is on the minus strand). VCF-style: chr19-15191610-C-T. GRCh37 (hg19) VCF-style: chr19-15302421-C-T.
Other names: short protein forms A284T.
Identifiers: ClinVar variation 714766 (VCV000714766.24), dbSNP rs149307620, ClinGen allele CA9263762.